The following is an entry in ClinVar:

ClinVar aggregate classification (germline): Conflicting classifications of pathogenicity. Review status: criteria provided, conflicting classifications (1 of 4 stars). 8 submissions from 8 submitters: Likely pathogenic (4); Uncertain significance (4). Last evaluated 2026-09-01.

Conditions:
Adult hypophosphatasia. Identifiers: Orphanet 247676, Orphanet 436, MedGen C0268413, MONDO:1010154, OMIM 146300, MONDO:0007798.
Childhood hypophosphatasia. Identifiers: Orphanet 247667, Orphanet 436, MedGen C0220743, MONDO:1010168, OMIM 241510, MONDO:0009428.
Infantile hypophosphatasia. Identifiers: Orphanet 247651, Orphanet 436, MedGen C0268412, MONDO:1010169, OMIM 241500, MONDO:0009427.
Hypophosphatasia. Also called: Phosphoethanol-aminuria. Identifiers: Orphanet 436, MedGen C0020630, MeSH D007014, MONDO:0018570.

Allele frequency attached by ClinVar (database versions not stated): ExAC 0.00002; TOPMed 0.00002; gnomAD 0.00001.

Submissions (8):

Genomenon, Inc
Classification: Likely pathogenic for Hypophosphatasia. Last evaluated: 2026-09-01. Review status: criteria provided, single submitter. Criteria: Genomenon Sequence Variant Interpretation Standards - Updated. Collection method: curation. Allele origin: germline. Affected: yes.
Comment: ALPL p.Ala205Thr (c.613G>A) is a missense variant that changes the amino acid at codon 205 from Alanine to Threonine. This variant has been observed in at least one proband affected with an ALPL-related disorder (PMID:35197081). At least one functional study has demonstrated a substantial alteration in protein function relative to the wild-type (PMID:39880615). It is absent or not present at a significant frequency in gnomAD. In silico models predict that this variant is possibly or probably damaging. In conclusion, we classify ALPL p.Ala205Thr (c.613G>A) as a likely pathogenic variant.

Women's Health and Genetics/Laboratory Corporation of America, LabCorp
Classification: Uncertain significance. Last evaluated: 2026-05-06. Review status: criteria provided, single submitter. Criteria: LabCorp Variant Classification Summary - May 2015. Collection method: clinical testing. Allele origin: germline.
Comment: Variant summary: ALPL c.613G>A (p.Ala205Thr) results in a non-conservative amino acid change in the encoded protein sequence. Algorithms developed to predict the effect of missense changes on protein structure and function all suggest that this variant is likely to be disruptive. The variant allele was found at a frequency of 2e-05 in 251096 control chromosomes (gnomAD). c.613G>A has been observed in an individual(s) affected with childhood-onset Hypophosphatasia and was in trans with a pathogenic variant (e.g. Sugiyama_2022). It was also found in adult-onset HPP patients in the heterozygous state (e.g. Kawashima_2025, Nishikage_2025), as well as an individual who was asymptomatic without a biochemical phenotype (Kato_2021). These data do not allow any conclusion about variant significance. At least one publication reports experimental evidence evaluating an impact on protein function. The most pronounced variant effect results in 10%-<30% of normal enzymatic activity, and the variant showed evidence of a dominant negative effect when co-transfected with the wild type allele (Nishikage_2025). The following publications have been ascertained in the context of this evaluation (PMID: 33821301, 31857675, 35197081, 40000791, 39926094, 39880615). ClinVar contains an entry for this variant (Variation ID: 1921627). Based on the evidence outlined above, the variant was classified as VUS-possibly pathogenic.

Natera, Inc.
Classification: Likely pathogenic for Hypophosphatasia. Last evaluated: 2025-12-23. Review status: criteria provided, single submitter. Criteria: Natera Variant Classification Schema (03/2026). Collection method: clinical testing. Allele origin: germline.
Comment: The c.613G>A variant in ALPL is a missense variant predicted to cause substitution of alanine to threonine at amino acid 205. This variant is rare in the general population with a frequency below the threshold expected for the associated phenotype(s). This variant has been observed in one or more individuals affected with the associated recessive disease, as either homozygous or compound heterozygous with a second variant (PMID: 35197081). This variant has been observed in affected individual(s) with monoallelic occurrence (heterozygous/hemizygous) (PMID: 39880615, 39926094). This variant has been identified in one or more affected individual with a phenotype highly consistent with the associated gene (PMID: 35197081). Computational prediction algorithms indicate this variant is likely to affect gene or protein function. Given the available evidence, this variant is classified as Likely Pathogenic.

Labcorp Genetics (formerly Invitae), Labcorp
Classification: Uncertain significance. Last evaluated: 2025-12-02. Review status: criteria provided, single submitter. Criteria: Invitae Variant Classification Sherloc (09022015). Collection method: clinical testing. Allele origin: germline.
Comment: This sequence change replaces alanine, which is neutral and non-polar, with threonine, which is neutral and polar, at codon 205 of the ALPL protein (p.Ala205Thr). This variant is present in population databases (rs751455369, gnomAD 0.01%). This missense change has been observed in individual(s) with hypophosphatasia (PMID: 35197081). ClinVar contains an entry for this variant (Variation ID: 1921627). Invitae Evidence Modeling of protein sequence and biophysical properties (such as structural, functional, and spatial information, amino acid conservation, physicochemical variation, residue mobility, and thermodynamic stability) indicates that this missense variant is expected to disrupt ALPL protein function with a positive predictive value of 95%. In summary, the available evidence is currently insufficient to determine the role of this variant in disease. Therefore, it has been classified as a Variant of Uncertain Significance.

Fulgent Genetics
Classification: Likely pathogenic for Adult hypophosphatasia; Infantile hypophosphatasia; Childhood hypophosphatasia. Last evaluated: 2024-06-21. Review status: criteria provided, single submitter. Criteria: ACMG Guidelines, 2015. Collection method: clinical testing. Allele origin: germline.

Genomic Medicine Center of Excellence, King Faisal Specialist Hospital and Research Centre
Classification: Uncertain significance for Adult hypophosphatasia. Last evaluated: 2024-03-29. Review status: criteria provided, single submitter. Criteria: ACMG Guidelines, 2015. Collection method: clinical testing. Allele origin: germline.

Baylor Genetics
Classification: Likely pathogenic for Adult hypophosphatasia. Last evaluated: 2024-03-20. Review status: criteria provided, single submitter. Criteria: ACMG Guidelines, 2015. Collection method: clinical testing. Allele origin: unknown.

JKU Lab, Dept of Paediatrics, Johannes Kepler University
Classification: Uncertain significance for Hypophosphatasia. Last evaluated: 2023-02-14. Review status: criteria provided, single submitter. Criteria: ACMG Guidelines, 2015. Collection method: clinical testing. Allele origin: germline. Affected: yes. Observed: 1 heterozygote.
Comment: GnomAD frequency 0.0019913% . The ACMG criteria applied can be looked up in the ALPL gene variant database.

Literature cited by the submitters: PubMed 35197081 (cited by 4 submitters); PubMed 39880615 (cited by 3 submitters); PubMed 31857675 (cited by Women's Health and Genetics/Laboratory Corporation of America, LabCorp); PubMed 33821301 (cited by Women's Health and Genetics/Laboratory Corporation of America, LabCorp and JKU Lab, Dept of Paediatrics, Johannes Kepler University); PubMed 40000791 (cited by Women's Health and Genetics/Laboratory Corporation of America, LabCorp); PubMed 39926094 (cited by Women's Health and Genetics/Laboratory Corporation of America, LabCorp and Natera, Inc.).

NM_000478.6(ALPL):c.613G>A (p.Ala205Thr)

Gene: ALPL (alkaline phosphatase, biomineralization associated; plus strand). Cytogenetic location: 1p36.12.
Variant type: single nucleotide variant.
Coding change: c.613G>A on transcript NM_000478.6 (MANE Select); coding-DNA position 613, G replaced by A.
Protein change: p.Ala205Thr; replaces alanine 205 with threonine.
Molecular consequence: missense variant.
Genome position (GRCh38, 1-based): chr1:21,564,181, G>A. VCF-style: chr1-21564181-G-A. GRCh37 (hg19) VCF-style: chr1-21890674-G-A.
Other names: c.448G>A, p.Ala150Thr (NM_001127501.4); c.382G>A, p.Ala128Thr (NM_001177520.3); c.613G>A, p.Ala205Thr (NM_001369803.2, NM_001369804.2, NM_001369805.2); c.613G>A (NM_000478.5); short protein forms A128T, A150T, A205T.
Identifiers: ClinVar variation 1921627 (VCV001921627.12), dbSNP rs751455369, ClinGen allele CA666539.